The following is an entry in ClinVar:

NM_020117.11(LARS1):c.2674A>G (p.Asn892Asp)

Gene: LARS1 (leucyl-tRNA synthetase 1; minus strand). Cytogenetic location: 5q32.
Variant type: single nucleotide variant.
Coding change: c.2674A>G on transcript NM_020117.11 (MANE Select); coding-DNA position 2674, A replaced by G.
Protein change: p.Asn892Asp; replaces asparagine 892 with aspartic acid.
Molecular consequence: missense variant.
Genome position (GRCh38, 1-based): chr5:146,129,073, T>C on the plus strand (A>G on the coding strand, the complement: LARS1 is on the minus strand). VCF-style: chr5-146129073-T-C. GRCh37 (hg19) VCF-style: chr5-145508636-T-C.
Other names: p.N892D:AAT>GAT; c.2536A>G, p.Asn846Asp (NM_001317964.2); c.2512A>G, p.Asn838Asp (NM_001317965.2); c.2593A>G, p.Asn865Asp (NM_016460.4); short protein forms N892D, N838D, N865D, N846D.
Identifiers: ClinVar variation 138095 (VCV000138095.1), dbSNP rs61732383, ClinGen allele CA291897.

ClinVar aggregate classification (germline): Benign (1 of 4 stars; one submission).

Allele frequency attached by ClinVar (database versions not stated): 1000 Genomes Project 30x 0.18067; 1000 Genomes Project 0.18171; ESP Exome Variant Server 0.20225; gnomAD 0.22080 and 0.22162; TOPMed 0.22135; gnomAD exomes 0.27172 and 0.27844.
gnomAD v4.1: 434,743 of 1,598,302 alleles (27%); highest among the groups gnomAD compares: Admixed American, 41%; 63,848 homozygotes.

Submission:

GeneDx
Classification: Benign. Last evaluated: 2013-08-29. Review status: criteria provided, single submitter. Criteria: GeneDx Variant Classification (06012015). Collection method: clinical testing. Allele origin: germline. Affected: yes.
Comment: This variant is considered likely benign or benign based on one or more of the following criteria: it is a conservative change, it occurs at a poorly conserved position in the protein, it is predicted to be benign by multiple in silico algorithms, and/or has population frequency not consistent with disease.